The following is an entry in ClinVar:

ClinVar aggregate classification (germline): Pathogenic/Likely pathogenic. Review status: criteria provided, multiple submitters, no conflicts (2 of 4 stars). 3 submissions from 3 submitters: Pathogenic (2); Likely pathogenic (1). Last evaluated 2025-11-05.

Conditions:
SI-related disorder. Also called: SI-related condition.
Sucrase-isomaltase deficiency (CSID). Also called: Congenital sucrose isomaltose malabsorption; Sucrose isomaltose enzyme deficiency; SI DEFICIENCY; Deficiency of isomaltase. Identifiers: Orphanet 35122, MedGen C1283620, MONDO:0009114, OMIM 222900.

Allele frequency attached by ClinVar (database versions not stated): ExAC 0.00002; TOPMed 0.00002; gnomAD 0.00003 and 0.00004; gnomAD exomes 0.00003; ESP Exome Variant Server 0.00015.
gnomAD v4.1: 54 of 1,613,146 alleles (0.0033%); highest among the groups gnomAD compares: Non-Finnish European, 0.0046%; no homozygotes.

Submissions (3):

Labcorp Genetics (formerly Invitae), Labcorp
Classification: Pathogenic. Last evaluated: 2025-11-05. Review status: criteria provided, single submitter. Criteria: Invitae Variant Classification Sherloc (09022015). Collection method: clinical testing. Allele origin: germline.
Comment: This sequence change creates a premature translational stop signal (p.Glu613*) in the SI gene. It is expected to result in an absent or disrupted protein product. Loss-of-function variants in SI are known to be pathogenic (PMID: 16329100, 23103650, 25452324). This variant is present in population databases (rs201055347, gnomAD 0.006%). This variant has not been reported in the literature in individuals affected with SI-related conditions. ClinVar contains an entry for this variant (Variation ID: 1382544). For these reasons, this variant has been classified as Pathogenic.

Fulgent Genetics
Classification: Likely pathogenic for Sucrase-isomaltase deficiency. Last evaluated: 2024-04-12. Review status: criteria provided, single submitter. Criteria: ACMG Guidelines, 2015. Collection method: clinical testing. Allele origin: germline.

PreventionGenetics, part of Exact Sciences
Classification: Pathogenic for SI-related condition. Last evaluated: 2022-10-18. Review status: criteria provided, single submitter. Criteria: ACMG Guidelines, 2015. Collection method: clinical testing. Allele origin: germline.
Comment: The SI c.1837G>T variant is predicted to result in premature protein termination (p.Glu613*). This variant was reported in an individual with sucrase isomaltase deficiency (Table S1 in Deb et al 2021. PubMed ID: 32732636). This variant is reported in 0.0070% of alleles in individuals of European (Non-Finnish) descent in gnomAD. Nonsense variants in SI are expected to be pathogenic. This variant is interpreted as pathogenic.

Literature cited by the submitters: PubMed 16329100 (cited by Labcorp Genetics (formerly Invitae), Labcorp); PubMed 23103650 (cited by Labcorp Genetics (formerly Invitae), Labcorp); PubMed 25452324 (cited by Labcorp Genetics (formerly Invitae), Labcorp).

NM_001041.4(SI):c.1837G>T (p.Glu613Ter)

Gene: SI (sucrase-isomaltase; minus strand). Cytogenetic location: 3q26.1.
Variant type: single nucleotide variant.
Coding change: c.1837G>T on transcript NM_001041.4 (MANE Select); coding-DNA position 1837, G replaced by T.
Protein change: p.Glu613Ter; replaces glutamic acid 613 with a stop codon.
Molecular consequence: nonsense.
Genome position (GRCh38, 1-based): chr3:165,046,891, C>A on the plus strand (G>T on the coding strand, the complement: SI is on the minus strand). VCF-style: chr3-165046891-C-A. GRCh37 (hg19) VCF-style: chr3-164764679-C-A.
Other names: c.1837G>T (NM_001041.3); short protein forms E613*.
Identifiers: ClinVar variation 1382544 (VCV001382544.7), dbSNP rs201055347, ClinGen allele CA2690934.